The following is an entry in ClinVar:

ClinVar aggregate classification (germline): Likely pathogenic. Review status: criteria provided, single submitter (1 of 4 stars). 2 submissions from 2 submitters: Likely pathogenic (1). 1 of the submissions does not count toward it. Last evaluated 2019-12-19.

Conditions:
Alkaptonuria (AKU). Also called: HOMOGENTISIC ACID OXIDASE DEFICIENCY; Alcaptonuria; Homogentisic acidura; Alkaptonuric ochronosis. Identifiers: Orphanet 56, MedGen C0002066, MONDO:0008753, OMIM 203500.

gnomAD v4.1: 3 of 1,614,060 alleles (0.00019%); highest among the groups gnomAD compares: Non-Finnish European, 0.000085%; no homozygotes.

Submissions (2):

Laboratory of Inherited Metabolic Diseases, Research centre for medical genetics
Classification: Likely pathogenic for Alkaptonuria. Last evaluated: 2019-12-19. Review status: criteria provided, single submitter. Criteria: ACMG Guidelines, 2015. Collection method: research, in vitro, in vivo. Allele origin: germline, not applicable. Inheritance: Autosomal recessive inheritance. Affected: yes. Observed: 1 compound heterozygote. Functional consequence: cryptic splice acceptor activation.
Comment: ACMG Guidelines, 2015 criteria: PS3, PM2, PM3, PP4

Department Of Human Genetics, Institute Of Clinical And Translational Research, Biomedical Research Center, Slovak Academy Of Sciences
Classification: Pathogenic for Alkaptonuria. Review status: no assertion criteria provided. Collection method: research. Allele origin: germline. Inheritance: Autosomal recessive inheritance. Affected: yes. Observed: 10 variant alleles. Not counted in ClinVar's aggregate classification.
Comment: The variant was originally described in AKU patients in PMID:33621656 and PMID: 34504318. It has been submitted to the HGD gene mutation database (DB-ID: AKU_00221).

Literature cited by the submitters: PubMed 33621656 (cited by Department Of Human Genetics, Institute Of Clinical And Translational Research, Biomedical Research Center, Slovak Academy Of Sciences); PubMed 34504318 (cited by Department Of Human Genetics, Institute Of Clinical And Translational Research, Biomedical Research Center, Slovak Academy Of Sciences).

NM_000187.4(HGD):c.753C>T (p.Gly251=)

Gene: HGD (homogentisate 1,2-dioxygenase; minus strand). Cytogenetic location: 3q13.33.
Variant type: single nucleotide variant.
Coding change: c.753C>T on transcript NM_000187.4 (MANE Select); coding-DNA position 753, C replaced by T.
Protein change: p.Gly251=; no amino-acid change (glycine 251 retained).
Molecular consequence: synonymous variant.
Genome position (GRCh38, 1-based): chr3:120,644,340, G>A on the plus strand (C>T on the coding strand, the complement: HGD is on the minus strand). VCF-style: chr3-120644340-G-A. GRCh37 (hg19) VCF-style: chr3-120363187-G-A.
Identifiers: ClinVar variation 867232 (VCV000867232.5), dbSNP rs1357020990, ClinGen allele CA435227677.